The following is an entry in ClinVar:

NM_032387.5(WNK4):c.1967G>A (p.Gly656Glu)

Gene: WNK4 (WNK lysine deficient protein kinase 4; plus strand). Cytogenetic location: 17q21.2.
Variant type: single nucleotide variant.
Coding change: c.1967G>A on transcript NM_032387.5 (MANE Select); coding-DNA position 1967, G replaced by A.
Protein change: p.Gly656Glu; replaces glycine 656 with glutamic acid.
Molecular consequence: missense variant.
Genome position (GRCh38, 1-based): chr17:42,788,334, G>A. VCF-style: chr17-42788334-G-A. GRCh37 (hg19) VCF-style: chr17-40940352-G-A.
Other names: c.1967G>A (NM_032387.4); c.959G>A, p.Gly320Glu (NM_001321299.2); short protein forms G320E, G656E.
Identifiers: ClinVar variation 2778068 (VCV002778068.6), dbSNP rs987538905, ClinGen allele CA290785764.

ClinVar aggregate classification (germline): Uncertain significance. Review status: criteria provided, multiple submitters, no conflicts (2 of 4 stars). 4 submissions from 4 submitters: Uncertain significance (4). Last evaluated 2025-08-05.

Conditions:
Pseudohypoaldosteronism type 2B (PHA2B). Also called: Pseudohypoaldosteronism Type IIB. Identifiers: Orphanet 757, Orphanet 88939, MedGen C1840390, MONDO:0013777, OMIM 614491.
Inborn genetic diseases. Identifiers: MedGen C0950123, MeSH D030342.

Allele frequency attached by ClinVar (database versions not stated): gnomAD 0.00001; gnomAD exomes 0.00001; TOPMed 0.00001.

Submissions (4):

Ambry Genetics
Classification: Uncertain significance for Inborn genetic diseases. Last evaluated: 2025-08-05. Review status: criteria provided, single submitter. Criteria: Ambry Variant Classification Scheme 2023. Collection method: clinical testing. Allele origin: germline.

Fulgent Genetics
Classification: Uncertain significance for Pseudohypoaldosteronism type 2B. Last evaluated: 2024-03-13. Review status: criteria provided, single submitter. Criteria: ACMG Guidelines, 2015. Collection method: clinical testing. Allele origin: germline.

Labcorp Genetics (formerly Invitae), Labcorp
Classification: Uncertain significance. Last evaluated: 2023-07-17. Review status: criteria provided, single submitter. Criteria: Invitae Variant Classification Sherloc (09022015). Collection method: clinical testing. Allele origin: germline.
Comment: In summary, the available evidence is currently insufficient to determine the role of this variant in disease. Therefore, it has been classified as a Variant of Uncertain Significance. This sequence change replaces glycine, which is neutral and non-polar, with glutamic acid, which is acidic and polar, at codon 656 of the WNK4 protein (p.Gly656Glu). This variant is present in population databases (no rsID available, gnomAD 0.01%). This variant has not been reported in the literature in individuals affected with WNK4-related conditions. Advanced modeling of protein sequence and biophysical properties (such as structural, functional, and spatial information, amino acid conservation, physicochemical variation, residue mobility, and thermodynamic stability) performed at Invitae indicates that this missense variant is not expected to disrupt WNK4 protein function.

Blueprint Genetics
Classification: Uncertain significance. Last evaluated: 2020-08-04. Review status: criteria provided, single submitter. Criteria: ACMG Guidelines, 2015. Collection method: clinical testing. Allele origin: germline.